The following is an entry in ClinVar:

NM_015102.5(NPHP4):c.2931G>A (p.Thr977=)

Gene: NPHP4 (nephrocystin 4; minus strand). Cytogenetic location: 1p36.31.
Variant type: single nucleotide variant.
Coding change: c.2931G>A on transcript NM_015102.5 (MANE Select); coding-DNA position 2931, G replaced by A.
Protein change: p.Thr977=; no amino-acid change (threonine 977 retained).
Molecular consequence: synonymous variant. On other transcripts: non-coding transcript variant (1).
Genome position (GRCh38, 1-based): chr1:5,874,987, C>T on the plus strand (G>A on the coding strand, the complement: NPHP4 is on the minus strand). VCF-style: chr1-5874987-C-T. GRCh37 (hg19) VCF-style: chr1-5935047-C-T.
Other names: c.1392G>A, p.Thr464= (NM_001291593.2); c.1395G>A, p.Thr465= (NM_001291594.2); c.2931G>A (NM_015102.4).
Identifiers: ClinVar variation 595894 (VCV000595894.14), dbSNP rs756370084, ClinGen allele CA553870.

ClinVar aggregate classification (germline): Conflicting classifications of pathogenicity. Review status: criteria provided, conflicting classifications (1 of 4 stars). 5 submissions from 5 submitters: Uncertain significance (2); Likely benign (3). Last evaluated 2025-06-09.

Conditions:
Nephronophthisis 4 (NPHP4). Also called: NEPHRONOPHTHISIS 4, JUVENILE. Identifiers: Orphanet 655, MedGen C1847013, MONDO:0011752, OMIM 606966.
Senior-Loken syndrome 4 (SLSN4). Identifiers: Orphanet 3156, MedGen C1846979, MONDO:0011756, OMIM 606996.
NPHP4-related disorder. Also called: NPHP4-related disorders; NPHP4-related condition. Identifiers: MedGen CN239384.
Nephronophthisis. Also called: Juvenile Nephronophthisis. Identifiers: Orphanet 655, MedGen C0687120, MONDO:0019005, HP:0000090.

Allele frequency attached by ClinVar (database versions not stated): ExAC 0.00006; TOPMed 0.00006; gnomAD 0.00007; gnomAD exomes 0.00009 and 0.00012.
gnomAD v4.1: 175 of 1,612,534 alleles (0.011%); highest among the groups gnomAD compares: South Asian, 0.026%; no homozygotes.

Submissions (5):

Labcorp Genetics (formerly Invitae), Labcorp
Classification: Likely benign for Nephronophthisis. Last evaluated: 2025-06-09. Review status: criteria provided, single submitter. Criteria: Invitae Variant Classification Sherloc (09022015). Collection method: clinical testing. Allele origin: germline.

PreventionGenetics, part of Exact Sciences
Classification: Likely benign for NPHP4-related condition. Last evaluated: 2024-12-20. Review status: criteria provided, single submitter. Criteria: ACMG Guidelines, 2015. Collection method: clinical testing. Allele origin: germline.
Comment: This variant is classified as likely benign based on ACMG/AMP sequence variant interpretation guidelines (Richards et al. 2015 PMID: 25741868, with internal and published modifications).

Blueprint Genetics
Classification: Likely benign. Last evaluated: 2024-08-29. Review status: criteria provided, single submitter. Criteria: ACMG Guidelines, 2015. Collection method: clinical testing. Allele origin: germline.

Fulgent Genetics
Classification: Uncertain significance for Nephronophthisis 4; Senior-Loken syndrome 4. Last evaluated: 2022-05-05. Review status: criteria provided, single submitter. Criteria: ACMG Guidelines, 2015. Collection method: clinical testing. Allele origin: unknown.

Eurofins Ntd Llc (ga)
Classification: Uncertain significance. Last evaluated: 2018-01-26. Review status: criteria provided, single submitter. Criteria: EGL Classification Definitions 2015. Collection method: clinical testing. Allele origin: germline. Observed: 1 variant allele, 1 heterozygote.